The following is an entry in ClinVar:

ClinVar aggregate classification (germline): Uncertain significance (1 of 4 stars; one submission).

Conditions:
Joubert syndrome. Also called: CEREBELLOPARENCHYMAL DISORDER IV; JOUBERT-BOLTSHAUSER SYNDROME; Familial aplasia of the vermis. Identifiers: Orphanet 475, MedGen C5979921, MONDO:0018772.
Meckel-Gruber syndrome. Also called: DYSENCEPHALIA SPLANCHNOCYSTICA; GRUBER SYNDROME; Dysencephalia splachnocystica. Identifiers: Orphanet 564, MedGen C0265215, MONDO:0018921.

Submission:

Labcorp Genetics (formerly Invitae), Labcorp
Classification: Uncertain significance for Joubert syndrome; Meckel-Gruber syndrome. Last evaluated: 2023-08-30. Review status: criteria provided, single submitter. Criteria: Invitae Variant Classification Sherloc (09022015). Collection method: clinical testing. Allele origin: germline.
Comment: This sequence change replaces leucine, which is neutral and non-polar, with phenylalanine, which is neutral and non-polar, at codon 399 of the TMEM67 protein (p.Leu399Phe). This variant is not present in population databases (gnomAD no frequency). This variant has not been reported in the literature in individuals affected with TMEM67-related conditions. ClinVar contains an entry for this variant (Variation ID: 2010258). Algorithms developed to predict the effect of missense changes on protein structure and function output the following: SIFT: "Not Available"; PolyPhen-2: "Probably Damaging"; Align-GVGD: "Not Available". The phenylalanine amino acid residue is found in multiple mammalian species, which suggests that this missense change does not adversely affect protein function. In summary, the available evidence is currently insufficient to determine the role of this variant in disease. Therefore, it has been classified as a Variant of Uncertain Significance.

NM_153704.6(TMEM67):c.1195C>T (p.Leu399Phe)

Gene: TMEM67 (transmembrane protein 67; plus strand). Cytogenetic location: 8q22.1.
Variant type: single nucleotide variant.
Coding change: c.1195C>T on transcript NM_153704.6 (MANE Select); coding-DNA position 1195, C replaced by T.
Protein change: p.Leu399Phe; replaces leucine 399 with phenylalanine.
Molecular consequence: missense variant. On other transcripts: non-coding transcript variant (1).
Genome position (GRCh38, 1-based): chr8:93,785,285, C>T. VCF-style: chr8-93785285-C-T. GRCh37 (hg19) VCF-style: chr8-94797513-C-T.
Other names: c.952C>T, p.Leu318Phe (NM_001142301.1); short protein forms L318F, L399F.
Identifiers: ClinVar variation 2010258 (VCV002010258.4), dbSNP rs1024452617, ClinGen allele CA371689327.